The following is an entry in ClinVar:

ClinVar aggregate classification (germline): Uncertain significance (1 of 4 stars; one submission).

gnomAD v4.1: 14 of 1,613,868 alleles (0.00087%); highest among the groups gnomAD compares: African/African-American, 0.019%; no homozygotes.

Submission:

GeneDx
Classification: Uncertain significance. Last evaluated: 2024-04-16. Review status: criteria provided, single submitter. Criteria: GeneDx Variant Classification Process June 2021. Collection method: clinical testing. Allele origin: germline. Affected: yes.
Comment: Not observed at significant frequency in large population cohorts (gnomAD); Has not been previously published as pathogenic or benign to our knowledge; In silico analysis is inconclusive as to whether the variant alters gene splicing. In the absence of RNA/functional studies, the actual effect of this sequence change is unknown.

NM_001267550.2(TTN):c.4529A>G (p.Asp1510Gly)

Genes: TTN (titin; minus strand), LOC101927055 (uncharacterized LOC101927055; plus strand). Cytogenetic location: 2q31.2.
Variant type: single nucleotide variant.
Coding change: c.4529A>G on transcript NM_001267550.2 (MANE Select); coding-DNA position 4529, A replaced by G.
Protein change: p.Asp1510Gly; replaces aspartic acid 1510 with glycine.
Molecular consequence: missense variant. On other transcripts: non-coding transcript variant (1).
Genome position (GRCh38, 1-based): chr2:178,777,536, T>C on the plus strand (A>G on the coding strand, the complement: TTN is on the minus strand). VCF-style: chr2-178777536-T-C. GRCh37 (hg19) VCF-style: chr2-179642263-T-C.
Other names: c.4529A>G, p.Asp1510Gly (NM_001256850.1, NM_133378.4, NM_133379.5); c.4391A>G, p.Asp1464Gly (NM_003319.4, NM_133432.3, NM_133437.4); short protein forms D1464G, D1510G.
Identifiers: ClinVar variation 3372087 (VCV003372087.1).